The following is an entry in ClinVar:

NM_002880.4(RAF1):c.1721A>G (p.Tyr574Cys)

Gene: RAF1 (Raf-1 proto-oncogene, serine/threonine kinase; minus strand). Cytogenetic location: 3p25.2.
Variant type: single nucleotide variant.
Coding change: c.1721A>G on transcript NM_002880.4 (MANE Select); coding-DNA position 1721, A replaced by G.
Protein change: p.Tyr574Cys; replaces tyrosine 574 with cysteine.
Molecular consequence: missense variant. On other transcripts: non-coding transcript variant (3).
Genome position (GRCh38, 1-based): chr3:12,584,929, T>C on the plus strand (A>G on the coding strand, the complement: RAF1 is on the minus strand). VCF-style: chr3-12584929-T-C. GRCh37 (hg19) VCF-style: chr3-12626428-T-C.
Other names: p.Y574C:TAT>TGT; c.1781A>G, p.Tyr594Cys (NM_001354689.3); c.1721A>G, p.Tyr574Cys (NM_001354690.3); c.1478A>G, p.Tyr493Cys (NM_001354691.3, NM_001354692.3); c.1622A>G, p.Tyr541Cys (NM_001354693.3); c.1538A>G, p.Tyr513Cys (NM_001354694.3); c.1379A>G, p.Tyr460Cys (NM_001354695.3); short protein forms Y574C, Y460C, Y541C, Y594C, Y493C, Y513C.
Identifiers: ClinVar variation 177842 (VCV000177842.54), dbSNP rs370242565, ClinGen allele CA180851.

ClinVar aggregate classification (germline): Conflicting classifications of pathogenicity. Review status: criteria provided, conflicting classifications (1 of 4 stars). 16 submissions from 15 submitters: Uncertain significance (8); Benign (2); Likely benign (5). 1 of the submissions does not count toward it. Last evaluated 2026-01-28.

Conditions:
RAF1-related disorder. Also called: RAF1-related disorders; RAF1-related condition.
Hereditary cancer. Identifiers: MedGen C1333600.
Cardiovascular phenotype. Identifiers: MedGen CN230736.
LEOPARD syndrome 2 (LPRD2). Also called: RAF1-Related LEOPARD Syndrome. Identifiers: Orphanet 500, MedGen C1969056, MONDO:0012691, OMIM 611554.
Noonan syndrome 5 (NS5). Also called: RAF1-Related Noonan Syndrome. Identifiers: Orphanet 648, MedGen C1969057, MONDO:0012690, OMIM 611553. Disease mechanism: gain of function.
Dilated cardiomyopathy 1NN. Identifiers: Orphanet 154, MedGen C4014656, MONDO:0014396, OMIM 615916.
RASopathy. Also called: rasopathies; Noonan spectrum disorder. Identifiers: Orphanet 536391, MedGen C5555857, MONDO:0021060.
Noonan syndrome (NS). Also called: Noonan's syndrome. Identifiers: Orphanet 648, MedGen C0028326, MeSH D009634, MONDO:0018997. Disease mechanism: gain of function.
Primary familial hypertrophic cardiomyopathy (HCM). Identifiers: Orphanet 99739, MedGen C0949658, MeSH D024741, MONDO:0024573. Inheritance: Various modes of inheritance.

Allele frequency attached by ClinVar (database versions not stated): ESP Exome Variant Server 0.00008; TOPMed 0.00009; gnomAD 0.00012 and 0.00013; gnomAD exomes 0.00018; ExAC 0.00021.
gnomAD v4.1: 225 of 1,614,072 alleles (0.014%); highest among the groups gnomAD compares: South Asian, 0.02%; no homozygotes.

Submissions 1 to 10 of 16:

Labcorp Genetics (formerly Invitae), Labcorp
Classification: Uncertain significance for RASopathy. Last evaluated: 2026-01-28. Review status: criteria provided, single submitter. Criteria: Invitae Variant Classification Sherloc (09022015). Collection method: clinical testing. Allele origin: germline.
Comment: This sequence change replaces tyrosine, which is neutral and polar, with cysteine, which is neutral and slightly polar, at codon 574 of the RAF1 protein (p.Tyr574Cys). This variant is present in population databases (rs370242565, gnomAD 0.03%), and has an allele count higher than expected for a pathogenic variant. This variant has not been reported in the literature in individuals affected with RAF1-related conditions. ClinVar contains an entry for this variant (Variation ID: 177842). Invitae Evidence Modeling incorporating data from in vitro experimental studies (internal data) indicates that this missense variant is not expected to disrupt RAF1 function with a negative predictive value of 80%. In summary, the available evidence is currently insufficient to determine the role of this variant in disease. Therefore, it has been classified as a Variant of Uncertain Significance.

Women's Health and Genetics/Laboratory Corporation of America, LabCorp
Classification: Likely benign. Last evaluated: 2025-11-04. Review status: criteria provided, single submitter. Criteria: LabCorp Variant Classification Summary - May 2015. Collection method: clinical testing. Allele origin: germline.
Comment: Variant summary: RAF1 c.1721A>G (p.Tyr574Cys) results in a non-conservative amino acid change located in the Protein kinase domain (IPR000719) of the encoded protein sequence. Algorithms developed to predict the effect of missense changes on protein structure and function all suggest that this variant is likely to be disruptive. The variant allele was found at a frequency of 0.00018 in 251334 control chromosomes, predominantly at a frequency of 0.00029 within the Non-Finnish European subpopulation in the gnomAD database. The observed variant frequency within Non-Finnish European control individuals in the gnomAD database exceeds the estimated maximal expected allele frequency for disease-causing variants in RAF1. c.1721A>G has been reported in individuals affected with core-binding factor acute myeloid leukemia (Zhang_2015), Idiopathic cytopenia of undetermined significance (Molteni_2023), and prostate cancer (Liang_2022). These report(s) do not provide unequivocal conclusions about association of the variant with Noonan Syndrome And Related Conditions. To our knowledge, no experimental evidence demonstrating an impact on protein function has been reported. The following publications have been ascertained in the context of this evaluation (PMID: 26580448, 37216690, 36095024). ClinVar contains an entry for this variant (Variation ID: 177842). Based on the evidence outlined above, the variant was classified as likely benign.

Mendelics
Classification: Likely benign for Hereditary cancer. Last evaluated: 2025-02-26. Review status: criteria provided, single submitter. Criteria: ACMG Guidelines, 2015. Collection method: clinical testing. Allele origin: unknown.
Comment: This variant is considered likely benign or benign based on one or more of the following: it is predicted to be benign by multiple in silico algorithms, and/or has population frequency not consistent with disease, and/or has normal protein function, and/or has lack of segregation with disease, and/or has been detected in co-occurrence with known pathogenic variant, and/or has lack of disease association in case-control studies, and/or is located in a region inconsistent with a known cause of pathogenicity.

Blueprint Genetics
Classification: Likely benign. Last evaluated: 2024-11-19. Review status: criteria provided, single submitter. Criteria: ACMG Guidelines, 2015. Collection method: clinical testing. Allele origin: germline.

CeGaT Center for Human Genetics Tuebingen
Classification: Likely benign. Last evaluated: 2024-08-01. Review status: criteria provided, single submitter. Criteria: CeGaT Center For Human Genetics Tuebingen Variant Classification Criteria Version 2. Collection method: clinical testing. Allele origin: germline. Affected: yes. Observed: 1 variant allele.
Comment: RAF1: PP3, BS2

Ambry Genetics
Classification: Uncertain significance for Cardiovascular phenotype. Last evaluated: 2024-03-29. Review status: criteria provided, single submitter. Criteria: Ambry Variant Classification Scheme 2023. Collection method: clinical testing. Allele origin: germline.
Comment: The p.Y574C variant (also known as c.1721A>G), located in coding exon 15 of the RAF1 gene, results from an A to G substitution at nucleotide position 1721. The tyrosine at codon 574 is replaced by cysteine, an amino acid with highly dissimilar properties. This variant was reported in exome findings from a superior coloboma cohort; however, clinical details were limited (Hocking JC et al. PLoS Genet., 2018 03;14:e1007246). This amino acid position is well conserved in available vertebrate species. In addition, the in silico prediction for this alteration is inconclusive. Based on the available evidence, the clinical significance of this alteration remains unclear.

Department of Pathology and Laboratory Medicine, Sinai Health System
Classification: Uncertain significance for Noonan syndrome 5; LEOPARD syndrome 2; Dilated cardiomyopathy 1NN. Last evaluated: 2023-11-26. Review status: criteria provided, single submitter. Criteria: ACMG Guidelines, 2015. Collection method: research. Allele origin: germline.

St. Jude Molecular Pathology, St. Jude Children's Research Hospital
Classification: Uncertain significance for Noonan syndrome. Last evaluated: 2021-07-22. Review status: criteria provided, single submitter. Criteria: St. Jude Assertion Criteria 2020. Collection method: clinical testing. Allele origin: germline.
Comment: The RAF1 c.1721A>G (p.Tyr574Cys) missense change has a maximum subpopulation frequency of 0.029% in gnomAD v2.1.1 (BS1). This variant occurs in a gene where missense variants are more likely to be damaging based on methods described by Lek et al. (PP2; PMID: 27535533). Five of seven in silico tools predict a deleterious effect of this variant on protein function (PP3), but to our knowledge these predictions have not been confirmed by functional assays. To our knowledge, this variant has not been reported in individuals with RASopathy conditions. In summary, this variant meets criteria to be classified as of uncertain significance based on the ACMG/AMP criteria, as specified by the RASopathy Variant Curation Expert Panel (PMID:29493581): BS1, PP2, PP3.

Victorian Clinical Genetics Services, Murdoch Childrens Research Institute
Classification: Likely benign for Noonan syndrome 5. Last evaluated: 2021-05-06. Review status: criteria provided, single submitter. Criteria: ACMG Guidelines, 2015. Collection method: clinical testing. Allele origin: germline. Inheritance: Autosomal dominant inheritance.
Comment: Based on the classification scheme VCGS_Germline_v1.3.4, this variant is classified as likely benign. Following criteria are met: 0103 - Loss of function and gain of function are known mechanisms of disease in this gene. Gain of function associated with Noonan (MIM#611553) and LEOPARD syndromes (MIM#2611554) with HCM, while loss of function associated non-HCM-associated variants (PMID: 17603483, 17603482). (I) 0107 - This gene is associated with autosomal dominant disease. (I) 0200 - Variant is predicted to result in a missense amino acid change from tyrosine to cysteine. (I) 0251 - This variant is heterozygous. (I) 0308 - Population frequency for this variant is out of keeping with known incidence of Noonan syndrome (MIM#611553). (SB) 0501 - Missense variant consistently predicted to be damaging by multiple in silico tools or highly conserved with a major amino acid change. (SP) 0600 - Variant is located in the annotated kinase domain (PDB). (I) 0705 - No comparable missense variants have previous evidence for pathogenicity. (I) 0808 - Previous reports of pathogenicity for this variant are conflicting. This variant has been classified both as a VUS and likely benign by diagnostic laboratories in Clinvar (ClinVar). (I) 0905 - No published segregation evidence has been identified for this variant. (I) 1007 - No published functional evidence has been identified for this variant. (I) 1208 - Inheritance information for this variant is not currently available in this individual. (I) Legend: (SP) - Supporting pathogenic, (I) - Information, (SB) - Supporting benign

Revvity Omics, Revvity
Classification: Uncertain significance. Last evaluated: 2019-11-15. Review status: criteria provided, single submitter. Criteria: ACMG Guidelines, 2015. Collection method: clinical testing. Allele origin: germline.